The following is an entry in ClinVar:

ClinVar aggregate classification (germline): Uncertain significance (1 of 4 stars; one submission).

Submission:

Ambry Genetics
Classification: Uncertain significance. Last evaluated: 2024-03-14. Review status: criteria provided, single submitter. Criteria: Ambry Variant Classification Scheme 2023. Collection method: clinical testing. Allele origin: germline.
Comment: The p.C682G variant (also known as c.2044T>G), located in coding exon 13 of the NPAT gene, results from a T to G substitution at nucleotide position 2044. The cysteine at codon 682 is replaced by glycine, an amino acid with highly dissimilar properties. This amino acid position is conserved. In addition, this alteration is predicted to be tolerated by in silico analysis. Since supporting evidence is limited at this time, the clinical significance of this alteration remains unclear.

NM_002519.3(NPAT):c.2044T>G (p.Cys682Gly)

Gene: NPAT (nuclear protein, coactivator of histone transcription; minus strand). Cytogenetic location: 11q22.3.
Variant type: single nucleotide variant.
Coding change: c.2044T>G on transcript NM_002519.3 (MANE Select); coding-DNA position 2044, T replaced by G.
Protein change: p.Cys682Gly; replaces cysteine 682 with glycine.
Molecular consequence: missense variant.
Genome position (GRCh38, 1-based): chr11:108,172,940, A>C on the plus strand (T>G on the coding strand, the complement: NPAT is on the minus strand). VCF-style: chr11-108172940-A-C. GRCh37 (hg19) VCF-style: chr11-108043667-A-C.
Other names: c.2044T>G, p.Cys682Gly (NM_001321307.1); short protein forms C682G.
Identifiers: ClinVar variation 1784951 (VCV001784951.2), dbSNP rs746579023, ClinGen allele CA382513802.
Genomic context (GRCh38, chr11:108,172,940, plus strand): 5'-GAAGAGAGTGACTGTTTTCTACAGGAGTGCCTTCTGGAGGCGTCAGTGCAACTTTCTCAC[A>C]GTTAGCATTTCCACCTAAAGAGAGAAAAATAGTATTCTCTTCTTTTACAGAAGATGAAGG-3'
Protein context (NP_002510.2, residues 672-692): IFLSLGGNAN[Cys682Gly]EKVALTPPEG